The following is an entry in ClinVar:

ClinVar aggregate classification (germline): Pathogenic (1 of 4 stars; one submission).

Conditions:
Vici syndrome (VICIS). Identifiers: Orphanet 1493, MedGen C1855772, MONDO:0009452, OMIM 242840.

Submission:

Labcorp Genetics (formerly Invitae), Labcorp
Classification: Pathogenic for Vici syndrome. Last evaluated: 2023-04-16. Review status: criteria provided, single submitter. Criteria: Invitae Variant Classification Sherloc (09022015). Collection method: clinical testing. Allele origin: germline.
Comment: For these reasons, this variant has been classified as Pathogenic. This variant has not been reported in the literature in individuals affected with EPG5-related conditions. This variant is not present in population databases (gnomAD no frequency). This sequence change creates a premature translational stop signal (p.Phe616*) in the EPG5 gene. It is expected to result in an absent or disrupted protein product. Loss-of-function variants in EPG5 are known to be pathogenic (PMID: 23222957, 23674064).

Literature cited by the submitters: PubMed 23222957; PubMed 23674064.

NM_020964.3(EPG5):c.1847_1859del (p.Ala615_Phe616insTer)

Gene: EPG5 (ectopic P-granules 5 autophagy tethering factor; minus strand). Cytogenetic location: 18q21.1.
Variant type: Deletion.
Coding change: c.1847_1859del on transcript NM_020964.3 (MANE Select); coding-DNA positions 1847 to 1859, 13 bases deleted (TTGCCAACTCACT).
Protein change: p.Ala615_Phe616insTer.
Molecular consequence: nonsense.
Genome position (GRCh38, 1-based): chr18:45,943,245-45,943,257, AGTGAGTTGGCAA deleted on the plus strand (TTGCCAACTCACT on the coding strand, the reverse complement: EPG5 is on the minus strand); deleting any 13 consecutive bases within chr18:45,943,245-45,943,259 gives the same sequence; the c. name uses the placement nearest the transcript's 3' end. VCF-style (leftmost placement, unchanged base first): chr18-45943244-TAGTGAGTTGGCAA-T. GRCh37 (hg19) VCF-style: chr18-43523210-TAGTGAGTTGGCAA-T.
Other names: c.1847_1859del, p.Ala615_Phe616insTer (NM_001410858.1, NM_001410859.1).
Identifiers: ClinVar variation 2911417 (VCV002911417.3), dbSNP rs984089547, ClinGen allele CA299784304.
Genomic context (GRCh38, chr18:45,943,244, plus strand): 5'-CACAAACTGCCTATAGCGTGCTCTATTAAAGGTTTCTAACCCCACAGCCAGAAGTTCCAC[TAGTGAGTTGGCAA>T]AGGCAAAAATTTTCATCATCTCTTGAGGTCTTGTTGTTTCAGGTAAATAATCACCTAGAA-3'